The following is an entry in ClinVar:

NM_001330260.2(SCN8A):c.2016A>C (p.Glu672Asp)

Gene: SCN8A (sodium voltage-gated channel alpha subunit 8; plus strand). Cytogenetic location: 12q13.13.
Variant type: single nucleotide variant.
Coding change: c.2016A>C on transcript NM_001330260.2 (MANE Select); coding-DNA position 2016, A replaced by C.
Protein change: p.Glu672Asp; replaces glutamic acid 672 with aspartic acid.
Molecular consequence: missense variant.
Genome position (GRCh38, 1-based): chr12:51,745,920, A>C. VCF-style: chr12-51745920-A-C. GRCh37 (hg19) VCF-style: chr12-52139704-A-C.
Other names: c.2016A>C, p.Glu672Asp (NM_001177984.3, NM_001369788.1, NM_014191.4); short protein forms E672D.
Identifiers: ClinVar variation 2627422 (VCV002627422.1), dbSNP rs2540231971, ClinGen allele CA384878273.

ClinVar aggregate classification (germline): Uncertain significance (1 of 4 stars; one submission).

Conditions:
Cognitive impairment with or without cerebellar ataxia (CIAT). Identifiers: MedGen C3280415, MONDO:0013680, OMIM 614306.

Submission:

Neuberg Centre For Genomic Medicine, NCGM
Classification: Uncertain significance for Cognitive impairment with or without cerebellar ataxia. Review status: criteria provided, single submitter. Criteria: ACMG Guidelines, 2015. Collection method: clinical testing. Allele origin: germline. Inheritance: Autosomal dominant inheritance. Affected: yes.
Comment: The missense variant p.E672D in SCN8A (NM_014191.4) has not been reported previously as a pathogenic variant nor as a benign variant, to our knowledge. The p.E672D variant is novel (not in any individuals) in gnomAD Exomes and is novel (not in any individuals) in 1000 Genomes. In silico tools are contradictory (SIFT- damaging, Polyphen-2- Tolerated) and the residue is poorly conserved across species. For these reasons, this variant has been classified as Uncertain Significance